The following is an entry in ClinVar:

ClinVar aggregate classification (germline): Uncertain significance (1 of 4 stars; one submission).

Allele frequency attached by ClinVar (database versions not stated): ExAC 0.00001.
gnomAD v4.1: 1 of 1,614,052 alleles (0.000062%); highest among the groups gnomAD compares: Non-Finnish European, 0.000085%; no homozygotes.

Submission:

Laboratorio de Genetica e Diagnostico Molecular, Hospital Israelita Albert Einstein
Classification: Uncertain significance. Last evaluated: 2022-01-17. Review status: criteria provided, single submitter. Criteria: ACMG Guidelines, 2015. Collection method: clinical testing. Allele origin: germline. Affected: yes.
Comment: ACMG classification criteria: PM2, BP4

NM_006901.4(MYO9A):c.4750C>T (p.Leu1584Phe)

Gene: MYO9A (myosin IXA; minus strand). Cytogenetic location: 15q23.
Variant type: single nucleotide variant.
Coding change: c.4750C>T on transcript NM_006901.4 (MANE Select); coding-DNA position 4750, C replaced by T.
Protein change: p.Leu1584Phe; replaces leucine 1584 with phenylalanine.
Molecular consequence: missense variant.
Genome position (GRCh38, 1-based): chr15:71,897,753, G>A on the plus strand (C>T on the coding strand, the complement: MYO9A is on the minus strand). VCF-style: chr15-71897753-G-A. GRCh37 (hg19) VCF-style: chr15-72190094-G-A.
Other names: short protein forms L1584F.
Identifiers: ClinVar variation 1690553 (VCV001690553.2), dbSNP rs745389071, ClinGen allele CA7641340.